The following is an entry in ClinVar:

NM_020831.6(MRTFA):c.578C>T (p.Ser193Phe)

Gene: MRTFA (myocardin related transcription factor A; minus strand). Cytogenetic location: 22q13.1.
Variant type: single nucleotide variant.
Coding change: c.578C>T on transcript NM_020831.6 (MANE Select); coding-DNA position 578, C replaced by T.
Protein change: p.Ser193Phe; replaces serine 193 with phenylalanine.
Molecular consequence: missense variant.
Genome position (GRCh38, 1-based): chr22:40,429,629, G>A on the plus strand (C>T on the coding strand, the complement: MRTFA is on the minus strand). VCF-style: chr22-40429629-G-A. GRCh37 (hg19) VCF-style: chr22-40825633-G-A.
Other names: c.278C>T, p.Ser93Phe (NM_001282660.2); c.578C>T, p.Ser193Phe (NM_001282661.3, NM_001282662.3); c.383C>T, p.Ser128Phe (NM_001318139.2); short protein forms S193F, S128F, S93F.
Identifiers: ClinVar variation 3705220 (VCV003705220.2).
Genomic context (GRCh38, chr22:40,429,629, plus strand): 5'-AGCTGCCTCTCACACAGGGTGGCTGGGTCCTCCTCACCAATGATGGCTTCCTTCAGGCTG[G>A]ACTCAACAGGAAGGATGTTCTTCTCCACCAGCTCCATGGGGCCAGGCCTCTGTGCAATCT-3'
Protein context (NP_065882.2, residues 183-203): LVEKNILPVE[Ser193Phe]SLKEAIIVGQ

ClinVar aggregate classification (germline): Uncertain significance (1 of 4 stars; one submission).

Submission:

Labcorp Genetics (formerly Invitae), Labcorp
Classification: Uncertain significance. Last evaluated: 2025-02-04. Review status: criteria provided, single submitter. Criteria: Invitae Variant Classification Sherloc (09022015). Collection method: clinical testing. Allele origin: germline.
Comment: This sequence change replaces serine, which is neutral and polar, with phenylalanine, which is neutral and non-polar, at codon 93 of the MKL1 protein (p.Ser93Phe). This variant is not present in population databases (gnomAD no frequency). This variant has not been reported in the literature in individuals affected with MKL1-related conditions. An algorithm developed to predict the effect of missense changes on protein structure and function (PolyPhen-2) suggests that this variant is likely to be disruptive. In summary, the available evidence is currently insufficient to determine the role of this variant in disease. Therefore, it has been classified as a Variant of Uncertain Significance.